The following is an entry in ClinVar:

NM_000246.4(CIITA):c.2539G>A (p.Val847Ile)

Gene: CIITA (class II major histocompatibility complex transactivator; plus strand). Cytogenetic location: 16p13.13.
Variant type: single nucleotide variant.
Coding change: c.2539G>A on transcript NM_000246.4 (MANE Select); coding-DNA position 2539, G replaced by A.
Protein change: p.Val847Ile; replaces valine 847 with isoleucine.
Molecular consequence: missense variant. On other transcripts: intron variant (1).
Genome position (GRCh38, 1-based): chr16:10,908,031, G>A. VCF-style: chr16-10908031-G-A. GRCh37 (hg19) VCF-style: chr16-11001888-G-A.
Other names: c.2542G>A, p.Val848Ile (NM_001286402.1, NM_001379332.1); c.2395G>A, p.Val799Ile (NM_001379330.1); c.2392G>A, p.Val798Ile (NM_001379331.1); c.2539G>A, p.Val847Ile (NM_001379333.1); c.2470G>A, p.Val824Ile (NM_001379334.1); c.860-952G>A (NM_001286403.2); short protein forms V848I, V847I, V798I, V799I, V824I.
Identifiers: ClinVar variation 651952 (VCV000651952.11), dbSNP rs181710482, ClinGen allele CA277748221.
Genomic context (GRCh38, chr16:10,908,031, plus strand): 5'-CAGGAGCTCCCCGGCCGCCTCTCTTTTCTGGGCACCCGCCTCACGCCTCCTGATGCACAT[G>A]TACTGGGCAAGGCCTTGGAGGCGGCGGGCCAAGACTTCTCCCTGGACCTCCGCAGCACTG-3'
Protein context (NP_000237.2, residues 837-857): GTRLTPPDAH[Val847Ile]LGKALEAAGQ

ClinVar aggregate classification (germline): Uncertain significance. Review status: criteria provided, single submitter (1 of 4 stars). 2 submissions from 2 submitters: Uncertain significance (1). 1 of the submissions does not count toward it. Last evaluated 2021-08-26.

Conditions:
MHC class II deficiency. Also called: Bare lymphocyte syndrome 2; BLS, TYPE II. Identifiers: Orphanet 572, MedGen C5447452, MONDO:0008855.

Allele frequency attached by ClinVar (database versions not stated): TOPMed 0.00003; gnomAD 0.00001.
gnomAD v4.1: 8 of 1,612,332 alleles (0.0005%); highest among the groups gnomAD compares: Non-Finnish European, 0.00068%; no homozygotes.

Submissions (2):

Labcorp Genetics (formerly Invitae), Labcorp
Classification: Uncertain significance for MHC class II deficiency. Last evaluated: 2021-08-26. Review status: criteria provided, single submitter. Criteria: Invitae Variant Classification Sherloc (09022015). Collection method: clinical testing. Allele origin: germline.
Comment: This sequence change replaces valine with isoleucine at codon 847 of the CIITA protein (p.Val847Ile). The valine residue is highly conserved and there is a small physicochemical difference between valine and isoleucine. This variant is not present in population databases (ExAC no frequency). This variant has not been reported in the literature in individuals affected with CIITA-related conditions. Algorithms developed to predict the effect of missense changes on protein structure and function output the following: SIFT: "Deleterious"; PolyPhen-2: "Benign"; Align-GVGD: "Class C25". The isoleucine amino acid residue is found in multiple mammalian species, which suggests that this missense change does not adversely affect protein function. In summary, the available evidence is currently insufficient to determine the role of this variant in disease. Therefore, it has been classified as a Variant of Uncertain Significance.

Natera, Inc.
Classification: Uncertain significance for Bare lymphocyte syndrome type II. Last evaluated: 2021-06-10. Review status: no assertion criteria provided. Collection method: clinical testing. Allele origin: germline. Not counted in ClinVar's aggregate classification.